The following is an entry in ClinVar:

ClinVar aggregate classification (germline): Uncertain significance. Review status: criteria provided, multiple submitters, no conflicts (2 of 4 stars). 2 submissions from 2 submitters: Uncertain significance (2). Last evaluated 2025-05-26.

Conditions:
Atypical hemolytic-uremic syndrome with B factor anomaly. Also called: HEMOLYTIC UREMIC SYNDROME, ATYPICAL, SUSCEPTIBILITY TO, 4; AHUS, SUSCEPTIBILITY TO, 4. Identifiers: Orphanet 2134, MedGen C2752038, MONDO:0013042, OMIM 612924.

Allele frequency attached by ClinVar (database versions not stated): ExAC 0.00001; gnomAD 0.00001; TOPMed 0.00001; gnomAD exomes 0.00002.

Submissions (2):

Labcorp Genetics (formerly Invitae), Labcorp
Classification: Uncertain significance. Last evaluated: 2025-05-26. Review status: criteria provided, single submitter. Criteria: Invitae Variant Classification Sherloc (09022015). Collection method: clinical testing. Allele origin: germline.
Comment: This sequence change replaces proline, which is neutral and non-polar, with leucine, which is neutral and non-polar, at codon 168 of the CFB protein (p.Pro168Leu). This variant is present in population databases (rs779024832, gnomAD 0.007%). This variant has not been reported in the literature in individuals affected with CFB-related conditions. ClinVar contains an entry for this variant (Variation ID: 1048765). Invitae Evidence Modeling of protein sequence and biophysical properties (such as structural, functional, and spatial information, amino acid conservation, physicochemical variation, residue mobility, and thermodynamic stability) indicates that this missense variant is not expected to disrupt CFB protein function with a negative predictive value of 80%. In summary, the available evidence is currently insufficient to determine the role of this variant in disease. Therefore, it has been classified as a Variant of Uncertain Significance.

Johns Hopkins Genomics, Johns Hopkins University
Classification: Uncertain significance for Atypical hemolytic-uremic syndrome with B factor anomaly. Last evaluated: 2021-03-29. Review status: criteria provided, single submitter. Criteria: ACMG Guidelines, 2015. Collection method: clinical testing. Allele origin: germline.
Comment: CFB c.503C>T (rs779024832) is rare (<0.1%) in a large population dataset (gnomAD: 4/246460 total alleles; 0.00162%; no homozygotes) and has not been reported in ClinVar nor the literature, to our knowledge. Three bioinformatic tools queried predict that this substitution would be damaging and the proline residue at this position is evolutionarily conserved across most species assessed. We consider the clinical significance of c.503C>T to be uncertain at this time

NM_001710.6(CFB):c.503C>T (p.Pro168Leu)

Gene: CFB (complement factor B; plus strand). Cytogenetic location: 6p21.33.
Variant type: single nucleotide variant.
Coding change: c.503C>T on transcript NM_001710.6 (MANE Select); coding-DNA position 503, C replaced by T.
Protein change: p.Pro168Leu; replaces proline 168 with leucine.
Molecular consequence: missense variant.
Genome position (GRCh38, 1-based): chr6:31,947,366, C>T. VCF-style: chr6-31947366-C-T. GRCh37 (hg19) VCF-style: chr6-31915143-C-T.
Other names: short protein forms P168L.
Identifiers: ClinVar variation 1048765 (VCV001048765.7), dbSNP rs779024832, ClinGen allele CA3728064.